The following is an entry in ClinVar:

NM_003482.4(KMT2D):c.11063G>C (p.Gly3688Ala)

Gene: KMT2D (lysine methyltransferase 2D; minus strand). Cytogenetic location: 12q13.12.
Variant type: single nucleotide variant.
Coding change: c.11063G>C on transcript NM_003482.4 (MANE Select); coding-DNA position 11063, G replaced by C.
Protein change: p.Gly3688Ala; replaces glycine 3688 with alanine.
Molecular consequence: missense variant.
Genome position (GRCh38, 1-based): chr12:49,033,642, C>G on the plus strand (G>C on the coding strand, the complement: KMT2D is on the minus strand). VCF-style: chr12-49033642-C-G. GRCh37 (hg19) VCF-style: chr12-49427425-C-G.
Other names: short protein forms G3688A.
Identifiers: ClinVar variation 2687908 (VCV002687908.1), dbSNP rs2498365294.

ClinVar aggregate classification (germline): Likely benign (1 of 4 stars; one submission).

Conditions:
Kabuki syndrome 1 (KABUK1). Also called: KMT2D-Related Kabuki Syndrome. Identifiers: Orphanet 2322, MedGen CN030661, MONDO:0007843, OMIM 147920.

Submission:

Tartaglia Lab, Genetics and Rare Diseases Research Division, Bambino Gesu' Children's Hospital
Classification: Likely benign for Kabuki syndrome 1. Last evaluated: 2023-12-31. Review status: criteria provided, single submitter. Criteria: ACMG Guidelines, 2015. Collection method: research. Allele origin: de novo. Affected: yes.
Comment: The variant was functionally validated by DNA methylayion profiling using a previously reported Kabuki syndrome-specific episignature (PMID: 32109418)